The following is an entry in ClinVar:

NM_198999.3(SLC26A5):c.92G>C (p.Arg31Thr)

Gene: SLC26A5 (solute carrier family 26 member 5; minus strand). Cytogenetic location: 7q22.1.
Variant type: single nucleotide variant.
Coding change: c.92G>C on transcript NM_198999.3 (MANE Select); coding-DNA position 92, G replaced by C.
Protein change: p.Arg31Thr; replaces arginine 31 with threonine.
Molecular consequence: missense variant. On other transcripts: non-coding transcript variant (5).
Genome position (GRCh38, 1-based): chr7:103,421,423, C>G on the plus strand (G>C on the coding strand, the complement: SLC26A5 is on the minus strand). VCF-style: chr7-103421423-C-G. GRCh37 (hg19) VCF-style: chr7-103061870-C-G.
Other names: c.92G>C, p.Arg31Thr (NM_001167962.2, NM_001321787.2, NM_206883.3 and 2 more transcripts); short protein forms R31T.
Identifiers: ClinVar variation 1033673 (VCV001033673.2), dbSNP rs1346488074, ClinGen allele CA368737962.

ClinVar aggregate classification (germline): Uncertain significance. Review status: criteria provided, multiple submitters, no conflicts (2 of 4 stars). 2 submissions from 2 submitters: Uncertain significance (2). Last evaluated 2024-01-04.

Conditions:
Inborn genetic diseases. Identifiers: MedGen C0950123, MeSH D030342.
Autosomal recessive nonsyndromic hearing loss 61. Identifiers: Orphanet 90636, MedGen C3151230, MONDO:0013471, OMIM 613865.

Allele frequency attached by ClinVar (database versions not stated): gnomAD exomes below 0.00001; gnomAD 0.00001; TOPMed 0.00003.
gnomAD v4.1: 5 of 1,614,000 alleles (0.00031%); highest among the groups gnomAD compares: Admixed American, 0.0033%; no homozygotes.

Submissions (2):

Ambry Genetics
Classification: Uncertain significance for Inborn genetic diseases. Last evaluated: 2024-01-04. Review status: criteria provided, single submitter. Criteria: Ambry Variant Classification Scheme 2023. Collection method: clinical testing. Allele origin: germline.

Baylor Genetics
Classification: Uncertain significance for Autosomal recessive nonsyndromic hearing loss 61. Last evaluated: 2018-01-01. Review status: criteria provided, single submitter. Criteria: ACMG Guidelines, 2015. Collection method: clinical testing. Allele origin: maternal. Affected: yes.
Comment: This variant was determined to be of uncertain significance according to ACMG Guidelines, 2015 [PMID:25741868].